The following is an entry in ClinVar:

ClinVar aggregate classification (germline): Uncertain significance (1 of 4 stars; one submission).

Conditions:
Cardiovascular phenotype. Identifiers: MedGen CN230736.

Submission:

Ambry Genetics
Classification: Uncertain significance for Cardiovascular phenotype. Last evaluated: 2024-09-17. Review status: criteria provided, single submitter. Criteria: Ambry Variant Classification Scheme 2023. Collection method: clinical testing. Allele origin: germline.
Comment: The p.H265D variant (also known as c.793C>G), located in coding exon 7 of the APOB gene, results from a C to G substitution at nucleotide position 793. The histidine at codon 265 is replaced by aspartic acid, an amino acid with similar properties. This amino acid position is conserved. In addition, the in silico prediction for this alteration is inconclusive. Based on the available evidence, the clinical significance of this variant remains unclear.

NM_000384.3(APOB):c.793C>G (p.His265Asp)

Gene: APOB (apolipoprotein B; minus strand). Cytogenetic location: 2p24.1.
Variant type: single nucleotide variant.
Coding change: c.793C>G on transcript NM_000384.3 (MANE Select); coding-DNA position 793, C replaced by G.
Protein change: p.His265Asp; replaces histidine 265 with aspartic acid.
Molecular consequence: missense variant.
Genome position (GRCh38, 1-based): chr2:21,035,609, G>C on the plus strand (C>G on the coding strand, the complement: APOB is on the minus strand). VCF-style: chr2-21035609-G-C. GRCh37 (hg19) VCF-style: chr2-21258481-G-C.
Other names: short protein forms H265D.
Identifiers: ClinVar variation 3416036 (VCV003416036.1).